The following is an entry in ClinVar:

NM_001375524.1(TRRAP):c.402A>G (p.Arg134=)

Gene: TRRAP (transformation/transcription domain associated protein; plus strand). Cytogenetic location: 7q22.1.
Variant type: single nucleotide variant.
Coding change: c.402A>G on transcript NM_001375524.1 (MANE Select); coding-DNA position 402, A replaced by G.
Protein change: p.Arg134=; no amino-acid change (arginine 134 retained).
Molecular consequence: synonymous variant.
Genome position (GRCh38, 1-based): chr7:98,893,833, A>G. VCF-style: chr7-98893833-A-G. GRCh37 (hg19) VCF-style: chr7-98491456-A-G.
Other names: c.402A>G (NM_003496.3); c.402A>G, p.Arg134= (NM_001244580.2, NM_003496.4).
Identifiers: ClinVar variation 1913103 (VCV001913103.6), dbSNP rs375524413, ClinGen allele CA4359229.

ClinVar aggregate classification (germline): Likely benign. Review status: criteria provided, multiple submitters, no conflicts (2 of 4 stars). 2 submissions from 2 submitters: Likely benign (2). Last evaluated 2025-11-24.

Conditions:
TRRAP-related disorder. Also called: TRRAP-related condition.

Allele frequency attached by ClinVar (database versions not stated): TOPMed 0.00001; ExAC 0.00002; gnomAD exomes 0.00002; ESP Exome Variant Server 0.00008.
gnomAD v4.1: 24 of 1,613,848 alleles (0.0015%); highest among the groups gnomAD compares: Non-Finnish European, 0.002%; no homozygotes.

Submissions (2):

PreventionGenetics, part of Exact Sciences
Classification: Likely benign for TRRAP-related condition. Last evaluated: 2025-11-24. Review status: criteria provided, single submitter. Criteria: ACMG Guidelines, 2015. Collection method: clinical testing. Allele origin: germline.
Comment: This variant is classified as likely benign based on ACMG/AMP sequence variant interpretation guidelines (Richards et al. 2015 PMID: 25741868, with internal and published modifications).

Labcorp Genetics (formerly Invitae), Labcorp
Classification: Likely benign. Last evaluated: 2022-07-11. Review status: criteria provided, single submitter. Criteria: Invitae Variant Classification Sherloc (09022015). Collection method: clinical testing. Allele origin: germline.